The following is an entry in ClinVar:

ClinVar aggregate classification (germline): Pathogenic (1 of 4 stars; one submission).

Submission:

Labcorp Genetics (formerly Invitae), Labcorp
Classification: Pathogenic. Last evaluated: 2024-01-18. Review status: criteria provided, single submitter. Criteria: Invitae Variant Classification Sherloc (09022015). Collection method: clinical testing. Allele origin: germline.
Comment: This sequence change creates a premature translational stop signal (p.Gln404*) in the HNF4A gene. While this is not anticipated to result in nonsense mediated decay, it is expected to disrupt the last 49 amino acid(s) of the HNF4A protein. This variant is not present in population databases (gnomAD no frequency). This variant has not been reported in the literature in individuals affected with HNF4A-related conditions. This variant disrupts a region of the HNF4A protein in which other variant(s) (p.Ser419*) have been determined to be pathogenic (PMID: 24323243). This suggests that this is a clinically significant region of the protein, and that variants that disrupt it are likely to be disease-causing. For these reasons, this variant has been classified as Pathogenic.

Literature cited by the submitters: PubMed 24323243.

NM_175914.5(HNF4A):c.1210C>T (p.Gln404Ter)

Gene: HNF4A (hepatocyte nuclear factor 4 alpha; plus strand). Cytogenetic location: 20q13.12.
Variant type: single nucleotide variant.
Coding change: c.1210C>T on transcript NM_175914.5 (MANE Select); coding-DNA position 1210, C replaced by T.
Protein change: p.Gln404Ter; replaces glutamine 404 with a stop codon.
Molecular consequence: nonsense. On other transcripts: intron variant (3).
Genome position (GRCh38, 1-based): chr20:44,428,481, C>T. VCF-style: chr20-44428481-C-T. GRCh37 (hg19) VCF-style: chr20-43057121-C-T.
Other names: c.1276C>T, p.Gln426Ter (NM_000457.6); c.1255C>T, p.Gln419Ter (NM_001258355.2); c.1201C>T, p.Gln401Ter (NM_001287183.2); c.1177+24C>T (NM_001287182.2); c.1186+24C>T (NM_001030003.3); c.1252+24C>T (NM_178849.3); short protein forms Q404*, Q401*, Q419*, Q426*.
Identifiers: ClinVar variation 2710007 (VCV002710007.3), dbSNP rs2063839277, ClinGen allele CA409110264.